The following is an entry in ClinVar:

NM_021076.4(NEFH):c.134G>A (p.Ser45Asn)

Gene: NEFH (neurofilament heavy chain; plus strand). Cytogenetic location: 22q12.2.
Variant type: single nucleotide variant.
Coding change: c.134G>A on transcript NM_021076.4 (MANE Select); coding-DNA position 134, G replaced by A.
Protein change: p.Ser45Asn; replaces serine 45 with asparagine.
Molecular consequence: missense variant.
Genome position (GRCh38, 1-based): chr22:29,480,396, G>A. VCF-style: chr22-29480396-G-A. GRCh37 (hg19) VCF-style: chr22-29876385-G-A.
Other names: short protein forms S45N.
Identifiers: ClinVar variation 3637749 (VCV003637749.2).

ClinVar aggregate classification (germline): Uncertain significance (1 of 4 stars; one submission).

Submission:

Labcorp Genetics (formerly Invitae), Labcorp
Classification: Uncertain significance. Last evaluated: 2025-02-11. Review status: criteria provided, single submitter. Criteria: Invitae Variant Classification Sherloc (09022015). Collection method: clinical testing. Allele origin: germline.
Comment: This sequence change replaces serine, which is neutral and polar, with asparagine, which is neutral and polar, at codon 45 of the NEFH protein (p.Ser45Asn). This variant is not present in population databases (gnomAD no frequency). This variant has not been reported in the literature in individuals affected with NEFH-related conditions. Invitae Evidence Modeling of protein sequence and biophysical properties (such as structural, functional, and spatial information, amino acid conservation, physicochemical variation, residue mobility, and thermodynamic stability) indicates that this missense variant is not expected to disrupt NEFH protein function with a negative predictive value of 95%. In summary, the available evidence is currently insufficient to determine the role of this variant in disease. Therefore, it has been classified as a Variant of Uncertain Significance.